The following is an entry in ClinVar:

NM_004385.5(VCAN):c.10148A>G (p.His3383Arg)

Gene: VCAN (versican; plus strand). Cytogenetic location: 5q14.3.
Variant type: single nucleotide variant.
Coding change: c.10148A>G on transcript NM_004385.5 (MANE Select); coding-DNA position 10148, A replaced by G.
Protein change: p.His3383Arg; replaces histidine 3383 with arginine.
Molecular consequence: missense variant.
Genome position (GRCh38, 1-based): chr5:83,580,391, A>G. VCF-style: chr5-83580391-A-G. GRCh37 (hg19) VCF-style: chr5-82876210-A-G.
Other names: c.1925A>G, p.His642Arg (NM_001126336.3); c.7187A>G, p.His2396Arg (NM_001164097.2); c.4886A>G, p.His1629Arg (NM_001164098.2); short protein forms H2396R, H3383R, H1629R, H642R.
Identifiers: ClinVar variation 1525428 (VCV001525428.8), dbSNP rs748713712, ClinGen allele CA3334173.

ClinVar aggregate classification (germline): Uncertain significance (1 of 4 stars; one submission).

Allele frequency attached by ClinVar (database versions not stated): ExAC 0.00001; gnomAD 0.00001; gnomAD exomes 0.00001 and 0.00002; TOPMed 0.00001.
gnomAD v4.1: 15 of 1,613,880 alleles (0.00093%); highest among the groups gnomAD compares: Middle Eastern, 0.016%; no homozygotes.

Submission:

Labcorp Genetics (formerly Invitae), Labcorp
Classification: Uncertain significance. Last evaluated: 2022-10-04. Review status: criteria provided, single submitter. Criteria: Invitae Variant Classification Sherloc (09022015). Collection method: clinical testing. Allele origin: germline.
Comment: This variant is present in population databases (rs748713712, gnomAD 0.006%). In summary, the available evidence is currently insufficient to determine the role of this variant in disease. Therefore, it has been classified as a Variant of Uncertain Significance. Algorithms developed to predict the effect of missense changes on protein structure and function are either unavailable or do not agree on the potential impact of this missense change (SIFT: "Deleterious"; PolyPhen-2: "Probably Damaging"; Align-GVGD: "Class C0"). ClinVar contains an entry for this variant (Variation ID: 1525428). This variant has not been reported in the literature in individuals affected with VCAN-related conditions. This sequence change replaces histidine, which is basic and polar, with arginine, which is basic and polar, at codon 3383 of the VCAN protein (p.His3383Arg).